The following is an entry in ClinVar:

ClinVar aggregate classification (germline): Uncertain significance. Review status: criteria provided, multiple submitters, no conflicts (2 of 4 stars). 2 submissions from 2 submitters: Uncertain significance (2). Last evaluated 2024-03-19.

Conditions:
Ataxia-telangiectasia syndrome (AT). Also called: Cerebello-oculocutaneous telangiectasia; Immunodeficiency with ataxia telangiectasia; LOUIS-BAR SYNDROME; AT, COMPLEMENTATION GROUP C; ATAXIA-TELANGIECTASIA, COMPLEMENTATION GROUP A; ATAXIA-TELANGIECTASIA, FRESNO VARIANT. Identifiers: Orphanet 100, MedGen C0004135, MONDO:0008840, OMIM 208900.
Hereditary cancer-predisposing syndrome. Also called: Tumor predisposition; Hereditary neoplastic syndrome; Neoplastic Syndromes, Hereditary; Hereditary Cancer Syndrome. Identifiers: Orphanet 140162, MedGen C0027672, MeSH D009386, MONDO:0015356.

Allele frequency attached by ClinVar (database versions not stated): gnomAD exomes below 0.00001; ExAC 0.00001.
gnomAD v4.1: 1 of 1,613,156 alleles (0.000062%); highest among the groups gnomAD compares: Non-Finnish European, 0.000085%; no homozygotes.

Submissions (2):

Ambry Genetics
Classification: Uncertain significance for Hereditary cancer-predisposing syndrome. Last evaluated: 2024-03-19. Review status: criteria provided, single submitter. Criteria: Ambry Variant Classification Scheme 2023. Collection method: clinical testing. Allele origin: germline.
Comment: The p.L1472S variant (also known as c.4415T>C), located in coding exon 28 of the ATM gene, results from a T to C substitution at nucleotide position 4415. The leucine at codon 1472 is replaced by serine, an amino acid with dissimilar properties. This amino acid position is conserved. In addition, this alteration is predicted to be deleterious by in silico analysis. Based on the available evidence, the clinical significance of this alteration remains unclear.

Labcorp Genetics (formerly Invitae), Labcorp
Classification: Uncertain significance for Ataxia-telangiectasia syndrome. Last evaluated: 2022-03-03. Review status: criteria provided, single submitter. Criteria: Invitae Variant Classification Sherloc (09022015). Collection method: clinical testing. Allele origin: germline.
Comment: This sequence change replaces leucine, which is neutral and non-polar, with serine, which is neutral and polar, at codon 1472 of the ATM protein (p.Leu1472Ser). This variant is present in population databases (rs772555314, gnomAD 0.003%). This variant has not been reported in the literature in individuals affected with ATM-related conditions. ClinVar contains an entry for this variant (Variation ID: 936810). Advanced modeling of protein sequence and biophysical properties (such as structural, functional, and spatial information, amino acid conservation, physicochemical variation, residue mobility, and thermodynamic stability) performed at Invitae indicates that this missense variant is not expected to disrupt ATM protein function. In summary, the available evidence is currently insufficient to determine the role of this variant in disease. Therefore, it has been classified as a Variant of Uncertain Significance.

NM_000051.4(ATM):c.4415T>C (p.Leu1472Ser)

Gene: ATM (ATM serine/threonine kinase; plus strand). Cytogenetic location: 11q22.3.
Variant type: single nucleotide variant.
Coding change: c.4415T>C on transcript NM_000051.4 (MANE Select); coding-DNA position 4415, T replaced by C.
Protein change: p.Leu1472Ser; replaces leucine 1472 with serine.
Molecular consequence: missense variant.
Genome position (GRCh38, 1-based): chr11:108,289,780, T>C. VCF-style: chr11-108289780-T-C. GRCh37 (hg19) VCF-style: chr11-108160507-T-C.
Other names: c.4415T>C, p.Leu1472Ser (NM_001351834.2); short protein forms L1472S.
Identifiers: ClinVar variation 936810 (VCV000936810.10), dbSNP rs772555314, ClinGen allele CA6265444.
Genomic context (GRCh38, chr11:108,289,780, plus strand): 5'-ATATAAAAAGTGGCTTAGGAGGAGCTTGGGCCTTTGTTCTTCGAGACGTTATTTATACTT[T>C]GATTCACTATATCAACCAAAGGTAAATAACATATTTAGACCAATATATAAGCAGTCTTTC-3'
Protein context (NP_000042.3, residues 1462-1482): AFVLRDVIYT[Leu1472Ser]IHYINQRPSC